The following is an entry in ClinVar:

ClinVar aggregate classification (germline): Likely benign. Review status: criteria provided, multiple submitters, no conflicts (2 of 4 stars). 4 submissions from 4 submitters: Likely benign (3). 1 of the submissions does not count toward it. Last evaluated 2025-10-02.

Conditions:
Familial hypercholesterolemia. Also called: Familial hypercholesterolemias; Familial hypercholesterolaemia. Identifiers: MedGen C0020445, MONDO:0005439.
Cardiovascular phenotype. Identifiers: MedGen CN230736.
APOB-related disorder. Also called: APOB-related condition; APOB-related disorders.
Familial hypobetalipoproteinemia 1. Also called: Hypobetalipoproteinemia, normotriglyceridemic; Acanthocytosis with hypobetalipoproteinemia; APOB-Related Familial Hypobetalipoproteinemia. Identifiers: MedGen C4551990, MONDO:0014252, OMIM 615558.
Hypercholesterolemia, autosomal dominant, type B (FHCL2). Also called: Familial hypercholesterolemia 2; APOB-Related Familial Hypercholesterolemia, Autosomal Dominant; HYPERCHOLESTEROLEMIA, FAMILIAL, DUE TO LIGAND-DEFECTIVE APOLIPOPROTEIN B; Hyperlipoproteinemia Type IIb; Familial Hypercholesterolemia Type B; APOLIPOPROTEIN B-100, FAMILIAL DEFECTIVE. Identifiers: MedGen C1704417, MONDO:0007751, OMIM 144010.

Allele frequency attached by ClinVar (database versions not stated): gnomAD 0.00001; gnomAD exomes 0.00003 and 0.00004; TOPMed 0.00003; ExAC 0.00006; 1000 Genomes Project 30x 0.00016; 1000 Genomes Project 0.00020.
gnomAD v4.1: 40 of 1,611,018 alleles (0.0025%); highest among the groups gnomAD compares: South Asian, 0.018%; no homozygotes.

Submissions (4):

Labcorp Genetics (formerly Invitae), Labcorp
Classification: Likely benign for Familial hypobetalipoproteinemia 1; Hypercholesterolemia, autosomal dominant, type B. Last evaluated: 2025-10-02. Review status: criteria provided, single submitter. Criteria: Invitae Variant Classification Sherloc (09022015). Collection method: clinical testing. Allele origin: germline.

GENinCode PLC
Classification: Likely benign for Familial hypercholesterolemia. Last evaluated: 2025-01-09. Review status: criteria provided, single submitter. Criteria: ACMG Guidelines, 2015. Collection method: clinical testing. Allele origin: germline.
Comment: This is a synonymous (silent) variant that is not predicted to impact splicing and occurs at a nucleotide which is not highly conserved. This variant has been classified as Likely Benign (BP4, BP7).

Ambry Genetics
Classification: Likely benign for Cardiovascular phenotype. Last evaluated: 2020-08-21. Review status: criteria provided, single submitter. Criteria: Ambry Variant Classification Scheme 2023. Collection method: clinical testing. Allele origin: germline.

PreventionGenetics, part of Exact Sciences
Classification: Likely benign for APOB-related condition. Last evaluated: 2019-06-27. Review status: no assertion criteria provided. Collection method: clinical testing. Allele origin: germline. Not counted in ClinVar's aggregate classification.
Comment: This variant is classified as likely benign based on ACMG/AMP sequence variant interpretation guidelines (Richards et al. 2015 PMID: 25741868, with internal and published modifications).

NM_000384.3(APOB):c.6390T>C (p.Asn2130=)

Gene: APOB (apolipoprotein B; minus strand). Cytogenetic location: 2p24.1.
Variant type: single nucleotide variant.
Coding change: c.6390T>C on transcript NM_000384.3 (MANE Select); coding-DNA position 6390, T replaced by C.
Protein change: p.Asn2130=; no amino-acid change (asparagine 2130 retained).
Molecular consequence: synonymous variant.
Genome position (GRCh38, 1-based): chr2:21,010,478, A>G on the plus strand (T>C on the coding strand, the complement: APOB is on the minus strand). VCF-style: chr2-21010478-A-G. GRCh37 (hg19) VCF-style: chr2-21233350-A-G.
Identifiers: ClinVar variation 544095 (VCV000544095.18), dbSNP rs570798466, ClinGen allele CA063152.